The following is an entry in ClinVar:

ClinVar aggregate classification (germline): Uncertain significance. Review status: criteria provided, multiple submitters, no conflicts (2 of 4 stars). 2 submissions from 2 submitters: Uncertain significance (2). Last evaluated 2026-04-02.

Conditions:
Tuberous sclerosis 2 (TSC2). Identifiers: Orphanet 805, MedGen C1860707, MONDO:0013199, OMIM 613254.
Hereditary cancer-predisposing syndrome. Also called: Hereditary neoplastic syndrome; Neoplastic Syndromes, Hereditary; Tumor predisposition; Hereditary Cancer Syndrome. Identifiers: Orphanet 140162, MedGen C0027672, MeSH D009386, MONDO:0015356.

Submissions (2):

Ambry Genetics
Classification: Uncertain significance for Hereditary cancer-predisposing syndrome. Last evaluated: 2026-04-02. Review status: criteria provided, single submitter. Criteria: Ambry Variant Classification Scheme 2023. Collection method: clinical testing. Allele origin: germline.
Comment: The p.S1094T variant (also known as c.3280T>A), located in coding exon 27 of the TSC2 gene, results from a T to A substitution at nucleotide position 3280. The serine at codon 1094 is replaced by threonine, an amino acid with similar properties. This amino acid position is conserved. In addition, the in silico prediction for this alteration is inconclusive. Based on the available evidence, the clinical significance of this variant remains unclear.

Labcorp Genetics (formerly Invitae), Labcorp
Classification: Uncertain significance for Tuberous sclerosis 2. Last evaluated: 2025-02-12. Review status: criteria provided, single submitter. Criteria: Invitae Variant Classification Sherloc (09022015). Collection method: clinical testing. Allele origin: germline.
Comment: This sequence change replaces serine, which is neutral and polar, with threonine, which is neutral and polar, at codon 1094 of the TSC2 protein (p.Ser1094Thr). This variant is not present in population databases (gnomAD no frequency). This variant has not been reported in the literature in individuals affected with TSC2-related conditions. Invitae Evidence Modeling of protein sequence and biophysical properties (such as structural, functional, and spatial information, amino acid conservation, physicochemical variation, residue mobility, and thermodynamic stability) indicates that this missense variant is not expected to disrupt TSC2 protein function with a negative predictive value of 95%. In summary, the available evidence is currently insufficient to determine the role of this variant in disease. Therefore, it has been classified as a Variant of Uncertain Significance.

NM_000548.5(TSC2):c.3280T>A (p.Ser1094Thr)

Gene: TSC2 (TSC complex subunit 2; plus strand). Cytogenetic location: 16p13.3.
Variant type: single nucleotide variant.
Coding change: c.3280T>A on transcript NM_000548.5 (MANE Select); coding-DNA position 3280, T replaced by A.
Protein change: p.Ser1094Thr; replaces serine 1094 with threonine.
Molecular consequence: missense variant. On other transcripts: non-coding transcript variant (5).
Genome position (GRCh38, 1-based): chr16:2,079,424, T>A. VCF-style: chr16-2079424-T-A. GRCh37 (hg19) VCF-style: chr16-2129425-T-A.
Other names: c.2548T>A, p.Ser850Thr (NM_001406687.1, NM_001406688.1, NM_001318831.2); c.1936T>A, p.Ser646Thr (NM_001406689.1); c.1807T>A, p.Ser603Thr (NM_001406690.1, NM_001406692.1, NM_001406693.1 and 1 more transcripts); c.1804T>A, p.Ser602Thr (NM_001406691.1, NM_001406695.1, NM_001406696.1 and 1 more transcripts); c.3148T>A, p.Ser1050Thr (NM_001077183.3, NM_001370404.1, NM_001406665.1); c.3280T>A, p.Ser1094Thr (NM_001114382.3); c.3040T>A, p.Ser1014Thr (NM_001318827.2); c.3004T>A, p.Ser1002Thr (NM_001318829.2); and 18 more; short protein forms S1001T, S1002T, S1013T, S1014T, S1031T, S1044T, S1045T, S1046T.
Identifiers: ClinVar variation 4802872 (VCV004802872.2).